The following is an entry in ClinVar:

NM_002839.4(PTPRD):c.639G>A (p.Ala213=)

Gene: PTPRD (protein tyrosine phosphatase receptor type D; minus strand). Cytogenetic location: 9p24.1.
Variant type: single nucleotide variant.
Coding change: c.639G>A on transcript NM_002839.4 (MANE Select); coding-DNA position 639, G replaced by A.
Protein change: p.Ala213=; no amino-acid change (alanine 213 retained).
Molecular consequence: synonymous variant.
Genome position (GRCh38, 1-based): chr9:8,524,965, C>T on the plus strand (G>A on the coding strand, the complement: PTPRD is on the minus strand). VCF-style: chr9-8524965-C-T. GRCh37 (hg19) VCF-style: chr9-8524965-C-T.
Other names: c.630G>A, p.Ala210= (NM_001040712.2, NM_001377947.1); c.621G>A, p.Ala207= (NM_001171025.2, NM_001377946.1, NM_130393.3); c.639G>A, p.Ala213= (NM_001377958.1, NM_001378058.1, NM_130391.4 and 1 more transcripts).
Identifiers: ClinVar variation 3045285 (VCV003045285.2), dbSNP rs145303203, ClinGen allele CA4984760.

ClinVar aggregate classification (germline): Likely benign (0 of 4 stars; one submission).

Conditions:
PTPRD-related disorder. Also called: PTPRD-related condition.

Allele frequency attached by ClinVar (database versions not stated): gnomAD exomes 0.00003; ExAC 0.00011; 1000 Genomes Project 30x 0.00016; 1000 Genomes Project 0.00020; gnomAD 0.00023; ESP Exome Variant Server 0.00031.
gnomAD v4.1: 79 of 1,613,620 alleles (0.0049%); highest among the groups gnomAD compares: African/African-American, 0.08%; no homozygotes.

Submission:

PreventionGenetics, part of Exact Sciences
Classification: Likely benign for PTPRD-related condition. Last evaluated: 2019-02-28. Review status: no assertion criteria provided. Collection method: clinical testing. Allele origin: germline.
Comment: This variant is classified as likely benign based on ACMG/AMP sequence variant interpretation guidelines (Richards et al. 2015 PMID: 25741868, with internal and published modifications).